The following is an entry in ClinVar:

ClinVar aggregate classification (germline): Benign (1 of 4 stars; one submission).

Allele frequency attached by ClinVar (database versions not stated): gnomAD 0.29987; 1000 Genomes Project 0.32049; TOPMed 0.32856; 1000 Genomes Project 30x 0.31902.
gnomAD v4.1: 410,577 of 1,224,112 alleles (34%); highest among the groups gnomAD compares: Admixed American, 54%; 72,053 homozygotes.

Submission:

GeneDx
Classification: Benign. Last evaluated: 2018-06-14. Review status: criteria provided, single submitter. Criteria: GeneDx Variant Classification (06012015). Collection method: clinical testing. Allele origin: germline. Affected: yes.
Comment: This variant is considered likely benign or benign based on one or more of the following criteria: it is a conservative change, it occurs at a poorly conserved position in the protein, it is predicted to be benign by multiple in silico algorithms, and/or has population frequency not consistent with disease.

NM_032119.4(ADGRV1):c.8155+82T>C

Gene: ADGRV1 (adhesion G protein-coupled receptor V1; plus strand). Cytogenetic location: 5q14.3.
Variant type: single nucleotide variant.
Coding change: c.8155+82T>C on transcript NM_032119.4 (MANE Select); 82 bases into the intron after coding-DNA position 8155, T replaced by C.
Molecular consequence: intron variant.
Genome position (GRCh38, 1-based): chr5:90,697,228, T>C. VCF-style: chr5-90697228-T-C. GRCh37 (hg19) VCF-style: chr5-89993045-T-C.
Identifiers: ClinVar variation 674377 (VCV000674377.1), dbSNP rs10942604, ClinGen allele CA122798087.